The following is an entry in ClinVar:

NM_001040716.2(PC):c.1696delinsTCTCTTATACAC (p.Met566fs)

Gene: PC (pyruvate carboxylase; minus strand). Cytogenetic location: 11q13.2.
Variant type: Indel.
Coding change: c.1696delinsTCTCTTATACAC on transcript NM_001040716.2 (MANE Select); coding-DNA position 1696, A replaced by TCTCTTATACAC.
Protein change: p.Met566fs; shifts the reading frame from methionine 566.
Molecular consequence: frameshift variant.
Genome position (GRCh38, 1-based): chr11:66,852,568, T replaced by GTGTATAAGAGA on the plus strand (A replaced by TCTCTTATACAC on the coding strand, the reverse complement: PC is on the minus strand). VCF-style: chr11-66852568-T-GTGTATAAGAGA. GRCh37 (hg19) VCF-style: chr11-66620039-T-GTGTATAAGAGA.
Other names: c.1696delinsTCTCTTATACAC, p.Met566fs (NM_000920.4, NM_001439352.1, NM_001439353.1 and 5 more transcripts); short protein forms M566fs.
Identifiers: ClinVar variation 5011447 (VCV005011447.1).
Genomic context (GRCh38, chr11:66,852,568, plus strand): 5'-CGTGGGTGCGCACACGAGTGGCCAGCAGTGACTGGTGGGCGTCCCTGAAGGTCGTGTCCA[T>GTGTATAAGAGA]CAGCAGCAGCCCCGGGTGGTTCCGCACAGCTCGAGCAAAGCCCTCAGGCCCCTCTCGCAG-3'

ClinVar aggregate classification (germline): Pathogenic (1 of 4 stars; one submission).

Conditions:
Pyruvate carboxylase deficiency. Also called: ATAXIA WITH LACTIC ACIDOSIS II; LEIGH NECROTIZING ENCEPHALOPATHY DUE TO PYRUVATE CARBOXYLASE DEFICIENCY; LEIGH SYNDROME DUE TO PYRUVATE CARBOXYLASE DEFICIENCY; PC DEFICIENCY; Pyruvate Carboxylase Deficiency Disease. Identifiers: Orphanet 3008, MedGen C0034341, MONDO:0009949, OMIM 266150.

Submission:

Myriad Genetics, Inc.
Classification: Pathogenic for Pyruvate carboxylase deficiency. Last evaluated: 2023-08-22. Review status: criteria provided, single submitter. Criteria: Myriad Autosomal Dominant, Autosomal Recessive and X-Linked Classification Criteria (2023). Collection method: clinical testing. Allele origin: unknown.
Comment: NM_000920.3(PC):c.1696del1ins12(M566Sfs*186) is expected to be pathogenic in the context of pyruvate carboxylase deficiency. This variant is predicted to lead to an abnormal or absent protein product due to the creation of a premature termination codon in PC, a gene where loss-of-function variants are known to be pathogenic. Please note: this variant was assessed in the context of healthy population screening.